The following is an entry in ClinVar:

NM_173728.4(ARHGEF15):c.659G>A (p.Gly220Asp)

Gene: ARHGEF15 (Rho guanine nucleotide exchange factor 15; plus strand). Cytogenetic location: 17p13.1.
Variant type: single nucleotide variant.
Coding change: c.659G>A on transcript NM_173728.4 (MANE Select); coding-DNA position 659, G replaced by A.
Protein change: p.Gly220Asp; replaces glycine 220 with aspartic acid.
Molecular consequence: missense variant.
Genome position (GRCh38, 1-based): chr17:8,312,979, G>A. VCF-style: chr17-8312979-G-A. GRCh37 (hg19) VCF-style: chr17-8216297-G-A.
Other names: c.659G>A, p.Gly220Asp (NM_025014.2); short protein forms G220D.
Identifiers: ClinVar variation 2070325 (VCV002070325.4), dbSNP rs2543929212, ClinGen allele CA398015512.
Genomic context (GRCh38, chr17:8,312,979, plus strand): 5'-CAGATGCTGGCCTGGCCTGCCCTCCCTGCTGCCCCTGTGTCTGCCACACCACCCGGCCTG[G>A]CCTGGAGCTCAGATGGGTGCCTGTGGGGGGCTATGAGGAGGTCCCCAGGGTCCCCCGTCG-3'
Protein context (NP_776089.2, residues 210-230): CPCVCHTTRP[Gly220Asp]LELRWVPVGG

ClinVar aggregate classification (germline): Uncertain significance (1 of 4 stars; one submission).

Conditions:
Early-infantile DEE. Also called: Early infantile epileptic encephalopathy with suppression bursts; Early infantile epileptic encephalopathy; Ohtahara syndrome. Identifiers: Orphanet 1934, MedGen C0393706, MONDO:0800491.

Submission:

Labcorp Genetics (formerly Invitae), Labcorp
Classification: Uncertain significance for Early-infantile DEE. Last evaluated: 2022-04-26. Review status: criteria provided, single submitter. Criteria: Invitae Variant Classification Sherloc (09022015). Collection method: clinical testing. Allele origin: germline.
Comment: In summary, the available evidence is currently insufficient to determine the role of this variant in disease. Therefore, it has been classified as a Variant of Uncertain Significance. Algorithms developed to predict the effect of missense changes on protein structure and function are either unavailable or do not agree on the potential impact of this missense change (SIFT: "Deleterious"; PolyPhen-2: "Probably Damaging"; Align-GVGD: "Class C0"). This variant has not been reported in the literature in individuals affected with ARHGEF15-related conditions. This variant is not present in population databases (gnomAD no frequency). This sequence change replaces glycine, which is neutral and non-polar, with aspartic acid, which is acidic and polar, at codon 220 of the ARHGEF15 protein (p.Gly220Asp).